The following is an entry in ClinVar:

ClinVar aggregate classification (germline): Uncertain significance. Review status: criteria provided, single submitter (1 of 4 stars). 2 submissions from 2 submitters: Uncertain significance (1). 1 of the submissions does not count toward it. Last evaluated 2023-06-14.

Conditions:
SPTLC2-related disorder. Also called: SPTLC2-related condition.
Neuropathy, hereditary sensory and autonomic, type 1C. Also called: HSAN IC; HSN IC. Identifiers: Orphanet 36386, MedGen C3150896, MONDO:0013337, OMIM 613640.

Submissions (2):

Labcorp Genetics (formerly Invitae), Labcorp
Classification: Uncertain significance for Neuropathy, hereditary sensory and autonomic, type 1C. Last evaluated: 2023-06-14. Review status: criteria provided, single submitter. Criteria: Invitae Variant Classification Sherloc (09022015). Collection method: clinical testing. Allele origin: germline.
Comment: In summary, the available evidence is currently insufficient to determine the role of this variant in disease. Therefore, it has been classified as a Variant of Uncertain Significance. An algorithm developed to predict the effect of missense changes on protein structure and function (PolyPhen-2) suggests that this variant is likely to be tolerated. This variant has not been reported in the literature in individuals affected with SPTLC2-related conditions. This variant is not present in population databases (gnomAD no frequency). This sequence change replaces proline, which is neutral and non-polar, with leucine, which is neutral and non-polar, at codon 5 of the SPTLC2 protein (p.Pro5Leu).

PreventionGenetics, part of Exact Sciences
Classification: Uncertain significance for SPTLC2-related condition. Last evaluated: 2024-06-10. Review status: no assertion criteria provided. Collection method: clinical testing. Allele origin: germline. Not counted in ClinVar's aggregate classification.
Comment: The SPTLC2 c.14C>T variant is predicted to result in the amino acid substitution p.Pro5Leu. To our knowledge, this variant has not been reported in the literature or in a large population database, indicating this variant is rare. At this time, the clinical significance of this variant is uncertain due to the absence of conclusive functional and genetic evidence.

NM_004863.4(SPTLC2):c.14C>T (p.Pro5Leu)

Gene: SPTLC2 (serine palmitoyltransferase long chain base subunit 2; minus strand). Cytogenetic location: 14q24.3.
Variant type: single nucleotide variant.
Coding change: c.14C>T on transcript NM_004863.4 (MANE Select); coding-DNA position 14, C replaced by T.
Protein change: p.Pro5Leu; replaces proline 5 with leucine.
Molecular consequence: missense variant.
Genome position (GRCh38, 1-based): chr14:77,616,566, G>A on the plus strand (C>T on the coding strand, the complement: SPTLC2 is on the minus strand). VCF-style: chr14-77616566-G-A. GRCh37 (hg19) VCF-style: chr14-78082909-G-A.
Other names: short protein forms P5L.
Identifiers: ClinVar variation 2714342 (VCV002714342.4), dbSNP rs2503570723, ClinGen allele CA390712706.
Genomic context (GRCh38, chr14:77,616,566, plus strand): 5'-ACTTCCCCGTTCGCCACGCAGCCATTCGCCCGCACCGTGCGGCGGCAGCAGCAGCCTCCG[G>A]GCTCCGGCCGCATCTTCCTGGCAGCACCAGGCGCAAGGCAGGCTCTGTAGGCGGTGGCAG-3'
Protein context (NP_004854.1, residues 1-15): MRPE[Pro5Leu]GGCCCRRTVR